The following is an entry in ClinVar:

NM_006158.5(NEFL):c.619G>C (p.Ala207Pro)

Gene: NEFL (neurofilament light chain; minus strand). Cytogenetic location: 8p21.2.
Variant type: single nucleotide variant.
Coding change: c.619G>C on transcript NM_006158.5 (MANE Select); coding-DNA position 619, G replaced by C.
Protein change: p.Ala207Pro; replaces alanine 207 with proline.
Molecular consequence: missense variant.
Genome position (GRCh38, 1-based): chr8:24,955,897, C>G on the plus strand (G>C on the coding strand, the complement: NEFL is on the minus strand). VCF-style: chr8-24955897-C-G. GRCh37 (hg19) VCF-style: chr8-24813411-C-G.
Other names: short protein forms A207P.
Identifiers: ClinVar variation 939651 (VCV000939651.5), dbSNP rs868855966, ClinGen allele CA370622007.

ClinVar aggregate classification (germline): Uncertain significance (1 of 4 stars; one submission).

Conditions:
Charcot-Marie-Tooth disease type 2E (CMT2E). Also called: CHARCOT-MARIE-TOOTH NEUROPATHY, TYPE 2E; CHARCOT-MARIE-TOOTH DISEASE, AXONAL, TYPE 2E. Identifiers: Orphanet 99939, MedGen C1843225, MONDO:0011894, OMIM 607684.

Submission:

Labcorp Genetics (formerly Invitae), Labcorp
Classification: Uncertain significance for Charcot-Marie-Tooth disease type 2E. Last evaluated: 2019-07-11. Review status: criteria provided, single submitter. Criteria: Invitae Variant Classification Sherloc (09022015). Collection method: clinical testing. Allele origin: germline.
Comment: In summary, the available evidence is currently insufficient to determine the role of this variant in disease. Therefore, it has been classified as a Variant of Uncertain Significance. Algorithms developed to predict the effect of missense changes on protein structure and function are either unavailable or do not agree on the potential impact of this missense change (SIFT: "Deleterious"; PolyPhen-2: "Not Available"; Align-GVGD: "Class C0"). This variant has not been reported in the literature in individuals with NEFL-related conditions. This variant is not present in population databases (ExAC no frequency). This sequence change replaces alanine with proline at codon 207 of the NEFL protein (p.Ala207Pro). The alanine residue is highly conserved and there is a small physicochemical difference between alanine and proline.